The following is an entry in ClinVar:

NM_001148.6(ANK2):c.10924C>T (p.Arg3642Ter)

Gene: ANK2 (ankyrin 2; plus strand). Cytogenetic location: 4q26.
Variant type: single nucleotide variant.
Coding change: c.10924C>T on transcript NM_001148.6 (MANE Select); coding-DNA position 10924, C replaced by T.
Protein change: p.Arg3642Ter; replaces arginine 3642 with a stop codon.
Molecular consequence: nonsense.
Genome position (GRCh38, 1-based): chr4:113,365,074, C>T. VCF-style: chr4-113365074-C-T. GRCh37 (hg19) VCF-style: chr4-114286230-C-T.
Other names: c.4642C>T, p.Arg1548Ter (NM_001127493.3); c.4681C>T, p.Arg1561Ter (NM_001354225.2); c.4570C>T, p.Arg1524Ter (NM_001354228.2, NM_001354258.2); c.4648C>T, p.Arg1550Ter (NM_001354230.2); c.4711C>T, p.Arg1571Ter (NM_001354231.2, NM_001354242.2); c.4705C>T, p.Arg1569Ter (NM_001354232.2); c.4666C>T, p.Arg1556Ter (NM_001354235.2, NM_001354246.2, NM_001354265.2); c.4567C>T, p.Arg1523Ter (NM_001354236.2); and 35 more; short protein forms R1396*, R1429*, R1457*, R1462*, R1470*, R1479*, R1482*, R1484*.
Identifiers: ClinVar variation 986168 (VCV000986168.5), dbSNP rs757033443, ClinGen allele CA357941548.

ClinVar aggregate classification (germline): Conflicting classifications of pathogenicity. Review status: criteria provided, conflicting classifications (1 of 4 stars). 2 submissions from 2 submitters: Pathogenic (1); Uncertain significance (1). Last evaluated 2021-10-26.

Conditions:
Inborn genetic diseases. Identifiers: MedGen C0950123, MeSH D030342.

Submissions (2):

GeneDx
Classification: Uncertain significance. Last evaluated: 2021-10-26. Review status: criteria provided, single submitter. Criteria: GeneDx Variant Classification Process June 2021. Collection method: clinical testing. Allele origin: germline. Affected: yes.
Comment: Not observed at significant frequency in large population cohorts (gnomAD); Nonsense variant predicted to result in protein truncation or nonsense mediated decay in a gene for which loss-of-function is not a known mechanism of disease; Has not been previously published as pathogenic or benign to our knowledge

Ambry Genetics
Classification: Pathogenic for Inborn genetic diseases. Last evaluated: 2019-08-02. Review status: criteria provided, single submitter. Criteria: Ambry exome assertion method (8-5-2015). Collection method: clinical testing. Allele origin: germline. Affected: yes. Observed: 1 variant allele.